The following is an entry in ClinVar:

NM_001105247.2(ARMC5):c.2692C>T (p.Arg898Trp)

Gene: ARMC5 (armadillo repeat containing 5; plus strand). Cytogenetic location: 16p11.2.
Variant type: single nucleotide variant.
Coding change: c.2692C>T on transcript NM_001105247.2 (MANE Select); coding-DNA position 2692, C replaced by T.
Protein change: p.Arg898Trp; replaces arginine 898 with tryptophan.
Molecular consequence: missense variant. On other transcripts: 3 prime UTR variant (1).
Genome position (GRCh38, 1-based): chr16:31,466,773, C>T. VCF-style: chr16-31466773-C-T. GRCh37 (hg19) VCF-style: chr16-31478094-C-T.
Other names: c.2977C>T, p.Arg993Trp (NM_001288767.2); c.2788C>T, p.Arg930Trp (NM_001301820.1); c.*1572C>T (NM_024742.2); c.2977C>T (NM_001288767.1); short protein forms R898W, R993W, R930W.
Identifiers: ClinVar variation 144053 (VCV000144053.3), dbSNP rs587777659, ClinGen allele CA170615.

ClinVar aggregate classification (germline): Likely pathogenic. Review status: criteria provided, single submitter (1 of 4 stars). 2 submissions from 2 submitters: Likely pathogenic (1). 1 of the submissions does not count toward it. Last evaluated 2026-06-04.

Conditions:
ARMC5-related disorder. Also called: ARMC5-related condition.
ACTH-independent macronodular adrenal hyperplasia 2. Also called: PRIMARY MACRONODULAR ADRENAL HYPERPLASIA. Identifiers: Orphanet 189427, MedGen C4014803, MONDO:0014416, OMIM 615954.

Allele frequency attached by ClinVar (database versions not stated): gnomAD exomes 0.00001.

Submissions (2):

PreventionGenetics, part of Exact Sciences
Classification: Likely pathogenic for ARMC5-related condition. Last evaluated: 2026-06-04. Review status: criteria provided, single submitter. Criteria: ACMG Guidelines, 2015. Collection method: clinical testing. Allele origin: germline.
Comment: The ARMC5 c.2977C>T variant is predicted to result in the amino acid substitution p.Arg993Trp. This variant is also known as c.2692C>T (p.Arg898Trp) using an alternative transcript (NM_001105247.2). This variant has been reported in three individuals with macronodular adrenal hyperplasia with Cushing’s Syndrome (Assié et al. 2013. PubMed ID: 24283224). Tumors from these patients also harbored second variants/hits on the other allele of the ARMC5 gene. This variant has also been reported in an individual with primary aldosteronism (Zilbermint et al. 2015. PubMed ID: 25822102) and an individual with macronodular adrenal hyperplasia (Faucz et al. 2014. PubMed ID: 24601692). This variant is reported in 0.0072% of alleles in individuals of African descent in gnomAD and is interpreted as pathogenic in ClinVar (Variation ID:144053). This variant is interpreted as likely pathogenic.

OMIM
Classification: Pathogenic for ACTH-INDEPENDENT MACRONODULAR ADRENAL HYPERPLASIA 2. Last evaluated: 2014-06-01. Review status: no assertion criteria provided. Collection method: literature only. Allele origin: germline. Not counted in ClinVar's aggregate classification.

Literature cited by the submitters: PubMed 24283224 (cited by OMIM); PubMed 24601692 (cited by OMIM).